The following is an entry in ClinVar:

ClinVar aggregate classification (germline): Benign/Likely benign. Review status: criteria provided, multiple submitters, no conflicts (2 of 4 stars). 3 submissions from 3 submitters: Benign (1); Likely benign (2). Last evaluated 2026-02-03.

Allele frequency attached by ClinVar (database versions not stated): ExAC 0.00004; gnomAD exomes 0.00005 and 0.00008; gnomAD 0.00007 and 0.00008; TOPMed 0.00007; 1000 Genomes Project 30x 0.00031; 1000 Genomes Project 0.00040.
gnomAD v4.1: 95 of 1,614,080 alleles (0.0059%); highest among the groups gnomAD compares: Admixed American, 0.022%; no homozygotes.

Submissions (3):

Labcorp Genetics (formerly Invitae), Labcorp
Classification: Benign. Last evaluated: 2026-02-03. Review status: criteria provided, single submitter. Criteria: Invitae Variant Classification Sherloc (09022015). Collection method: clinical testing. Allele origin: germline.

Blueprint Genetics
Classification: Likely benign. Last evaluated: 2024-09-25. Review status: criteria provided, single submitter. Criteria: ACMG Guidelines, 2015. Collection method: clinical testing. Allele origin: germline.

GeneDx
Classification: Likely benign. Last evaluated: 2021-04-23. Review status: criteria provided, single submitter. Criteria: GeneDx Variant Classification Process June 2021. Collection method: clinical testing. Allele origin: germline. Affected: yes.
Comment: This variant is associated with the following publications: (PMID: 25922291)

NM_015559.3(SETBP1):c.1493G>A (p.Arg498Gln)

Gene: SETBP1 (SET binding protein 1; plus strand). Cytogenetic location: 18q12.3.
Variant type: single nucleotide variant.
Coding change: c.1493G>A on transcript NM_015559.3 (MANE Select); coding-DNA position 1493, G replaced by A.
Protein change: p.Arg498Gln; replaces arginine 498 with glutamine.
Molecular consequence: missense variant.
Genome position (GRCh38, 1-based): chr18:44,950,833, G>A. VCF-style: chr18-44950833-G-A. GRCh37 (hg19) VCF-style: chr18-42530798-G-A.
Other names: c.1493G>A, p.Arg498Gln (NM_001379141.1, NM_001379142.1); short protein forms R498Q.
Identifiers: ClinVar variation 1301504 (VCV001301504.10), dbSNP rs563237293, ClinGen allele CA8945629.